The following is an entry in ClinVar:

NM_001166114.2(PNPLA6):c.2260+1G>C

Gene: PNPLA6 (patatin like domain 6, lysophospholipase; plus strand). Cytogenetic location: 19p13.2.
Variant type: single nucleotide variant.
Coding change: c.2260+1G>C on transcript NM_001166114.2 (MANE Select); the canonical splice donor site of the intron after coding-DNA position 2260, G replaced by C.
Molecular consequence: splice donor variant.
Genome position (GRCh38, 1-based): chr19:7,551,438, G>C. VCF-style: chr19-7551438-G-C. GRCh37 (hg19) VCF-style: chr19-7616324-G-C.
Other names: c.2143+1G>C (NM_006702.5, NM_001166113.1); c.2065+1G>C (NM_001166112.2); c.2287+1G>C (NM_001166111.2).
Identifiers: ClinVar variation 2023501 (VCV002023501.4), dbSNP rs2512539283, ClinGen allele CA403125378.

ClinVar aggregate classification (germline): Likely pathogenic (1 of 4 stars; one submission).

Conditions:
Hereditary spastic paraplegia 39 (SPG39). Also called: Spastic Paraplegia Type 39 (SPG39); SPASTIC PARAPLEGIA 39, AUTOSOMAL RECESSIVE. Identifiers: Orphanet 139480, MedGen C2677586, MONDO:0012787, OMIM 612020.

Submission:

Labcorp Genetics (formerly Invitae), Labcorp
Classification: Likely pathogenic for Hereditary spastic paraplegia 39. Last evaluated: 2022-08-10. Review status: criteria provided, single submitter. Criteria: Invitae Variant Classification Sherloc (09022015). Collection method: clinical testing. Allele origin: germline.
Comment: Algorithms developed to predict the effect of sequence changes on RNA splicing suggest that this variant may disrupt the consensus splice site. This variant has not been reported in the literature in individuals affected with PNPLA6-related conditions. This variant is not present in population databases (gnomAD no frequency). This sequence change affects a donor splice site in intron 21 of the PNPLA6 gene. It is expected to disrupt RNA splicing. Variants that disrupt the donor or acceptor splice site typically lead to a loss of protein function (PMID: 16199547), and loss-of-function variants in PNPLA6 are known to be pathogenic (PMID: 24355708). In summary, the currently available evidence indicates that the variant is pathogenic, but additional data are needed to prove that conclusively. Therefore, this variant has been classified as Likely Pathogenic.

Literature cited by the submitters: PubMed 16199547; PubMed 24355708.